The following is an entry in ClinVar:

NM_002972.4(SBF1):c.2438G>C (p.Gly813Ala)

Gene: SBF1 (SET binding factor 1; minus strand). Cytogenetic location: 22q13.33.
Variant type: single nucleotide variant.
Coding change: c.2438G>C on transcript NM_002972.4 (MANE Select); coding-DNA position 2438, G replaced by C.
Protein change: p.Gly813Ala; replaces glycine 813 with alanine.
Molecular consequence: missense variant.
Genome position (GRCh38, 1-based): chr22:50,462,078, C>G on the plus strand (G>C on the coding strand, the complement: SBF1 is on the minus strand). VCF-style: chr22-50462078-C-G. GRCh37 (hg19) VCF-style: chr22-50900507-C-G.
Other names: c.2441G>C, p.Gly814Ala (NM_001365819.1, NM_001410794.1); c.2438G>C, p.Gly813Ala (NM_001410795.1, NM_197971.1); short protein forms G813A, G814A.
Identifiers: ClinVar variation 1962650 (VCV001962650.5), dbSNP rs2521945065, ClinGen allele CA412209531.

ClinVar aggregate classification (germline): Uncertain significance (1 of 4 stars; one submission).

Submission:

Labcorp Genetics (formerly Invitae), Labcorp
Classification: Uncertain significance. Last evaluated: 2021-07-31. Review status: criteria provided, single submitter. Criteria: Invitae Variant Classification Sherloc (09022015). Collection method: clinical testing. Allele origin: germline.
Comment: This sequence change replaces glycine with alanine at codon 813 of the SBF1 protein (p.Gly813Ala). The glycine residue is highly conserved and there is a small physicochemical difference between glycine and alanine. In summary, the available evidence is currently insufficient to determine the role of this variant in disease. Therefore, it has been classified as a Variant of Uncertain Significance. Algorithms developed to predict the effect of missense changes on protein structure and function are either unavailable or do not agree on the potential impact of this missense change (SIFT: "Tolerated"; PolyPhen-2: "Probably Damaging"; Align-GVGD: "Class C0"). This variant has not been reported in the literature in individuals affected with SBF1-related conditions. This variant is not present in population databases (ExAC no frequency).